The following is an entry in ClinVar:

NM_152564.5(VPS13B):c.10208G>T (p.Gly3403Val)

Gene: VPS13B (vacuolar protein sorting 13 homolog B; plus strand). Cytogenetic location: 8q22.2.
Variant type: single nucleotide variant.
Coding change: c.10208G>T on transcript NM_152564.5 (MANE Select); coding-DNA position 10208, G replaced by T.
Protein change: p.Gly3403Val; replaces glycine 3403 with valine.
Molecular consequence: missense variant.
Genome position (GRCh38, 1-based): chr8:99,853,597, G>T. VCF-style: chr8-99853597-G-T. GRCh37 (hg19) VCF-style: chr8-100865825-G-T.
Other names: c.10283G>T, p.Gly3428Val (NM_017890.5); short protein forms G3403V, G3428V.
Identifiers: ClinVar variation 4083105 (VCV004083105.1).

ClinVar aggregate classification (germline): Uncertain significance (1 of 4 stars; one submission).

Submission:

GeneDx
Classification: Uncertain significance. Last evaluated: 2025-03-10. Review status: criteria provided, single submitter. Criteria: GeneDx Variant Classification Process June 2021. Collection method: clinical testing. Allele origin: germline. Affected: yes.
Comment: Not observed at significant frequency in large population cohorts (gnomAD); In silico analysis indicates that this missense variant does not alter protein structure/function; Has not been previously published as pathogenic or benign to our knowledge